The following is an entry in ClinVar:

NM_004985.5(KRAS):c.451-14T>C

Gene: KRAS (KRAS proto-oncogene, GTPase; minus strand). Cytogenetic location: 12p12.1.
Variant type: single nucleotide variant.
Coding change: c.451-14T>C on transcript NM_004985.5 (MANE Select); 14 bases into the intron before coding-DNA position 451, T replaced by C.
Molecular consequence: intron variant.
Genome position (GRCh38, 1-based): chr12:25,209,925, A>G on the plus strand (T>C on the coding strand, the complement: KRAS is on the minus strand). VCF-style: chr12-25209925-A-G. GRCh37 (hg19) VCF-style: chr12-25362859-A-G.
Other names: c.451-14T>C (NM_001369787.1); c.*5-14T>C (NM_001369786.1, NM_033360.4).
Identifiers: ClinVar variation 138060 (VCV000138060.13), dbSNP rs372508498, ClinGen allele CA176485.
Genomic context (GRCh38, chr12:25,209,925, plus strand): 5'-TGTTTTCGAATTTCTCGAACTAATGTATAGAAGGCATCATCAACACCCTGAAATACATAA[A>G]AAGTATTAAAATGTGAATATATACGATGGCTTCATGTGTACAGGTAACAAATTTCATTAA-3'

ClinVar aggregate classification (germline): Likely benign. Review status: reviewed by expert panel (3 of 4 stars). 4 submissions from 4 submitters: Likely benign (1). 3 of the submissions do not count toward it. Last evaluated 2024-09-17.

Conditions:
RASopathy. Also called: rasopathies; Noonan spectrum disorder. Identifiers: Orphanet 536391, MedGen C5555857, MONDO:0021060.

Allele frequency attached by ClinVar (database versions not stated): gnomAD exomes 0.00004; TOPMed 0.00009; ESP Exome Variant Server 0.00031; ExAC 0.00003; gnomAD 0.00013 and 0.00014.
gnomAD v4.1: 175 of 1,591,272 alleles (0.011%); highest among the groups gnomAD compares: African/African-American, 0.014%; no homozygotes.

Submissions (4):

ClinGen RASopathy Variant Curation Expert Panel
Classification: Likely benign for RASopathy. Last evaluated: 2024-09-17. Review status: reviewed by expert panel. Criteria: ClinGen RASopathy ACMG Specifications KRAS V2.1.0. Collection method: curation. Allele origin: germline. Inheritance: Autosomal dominant inheritance.
Comment: The c.451-14T>C variant in the KRAS gene is an intronic variant located in intron 6. The filtering allele frequency in gnomAD v4.1.0 is 0.01135% (10/73838 alleles) in the African/African American population (PM2_Supporting/ BS1/ BA1 are not met).This variant is located at a nucleotide that is not highly conserved and is not predicted to impact splicing (BP4, BP7). In summary, this variant meets criteria to be classified as likely benign for autosomal dominant RASopathies based on the ACMG/AMP criteria applied, as specified by the ClinGen RASopathy Variant Curation Expert Panel: BP4, BP7 (Specification Version 2.1, 09/17/2024)

Labcorp Genetics (formerly Invitae), Labcorp
Classification: Likely benign for RASopathy. Last evaluated: 2025-10-23. Review status: criteria provided, single submitter. Criteria: Invitae Variant Classification Sherloc (09022015). Collection method: clinical testing. Allele origin: germline. Not counted in ClinVar's aggregate classification.

GeneDx
Classification: Benign. Last evaluated: 2014-04-23. Review status: criteria provided, single submitter. Criteria: GeneDx Variant Classification (06012015). Collection method: clinical testing. Allele origin: germline. Affected: yes. Not counted in ClinVar's aggregate classification.
Comment: This variant is considered likely benign or benign based on one or more of the following criteria: it is a conservative change, it occurs at a poorly conserved position in the protein, it is predicted to be benign by multiple in silico algorithms, and/or has population frequency not consistent with disease.

Laboratory for Molecular Medicine, Mass General Brigham Personalized Medicine
Classification: Likely benign. Last evaluated: 2013-07-17. Review status: criteria provided, single submitter. Criteria: LMM Criteria. Collection method: clinical testing. Allele origin: germline. Observed: 1 variant allele. Not counted in ClinVar's aggregate classification.
Comment: 451-14T>C in intron 06 of KRAS: This variant is not expected to have clinical si gnificance because it is not located within the splice consensus sequence and ha s been identified in 0.05% (4/8570) of European American chromosomes by the NHLB I Exome Sequencing Project.